The following is an entry in ClinVar:

NM_005585.5(SMAD6):c.170G>A (p.Arg57His)

Gene: SMAD6 (SMAD family member 6; plus strand). Cytogenetic location: 15q22.31.
Variant type: single nucleotide variant.
Coding change: c.170G>A on transcript NM_005585.5 (MANE Select); coding-DNA position 170, G replaced by A.
Protein change: p.Arg57His; replaces arginine 57 with histidine.
Molecular consequence: missense variant. On other transcripts: non-coding transcript variant (1).
Genome position (GRCh38, 1-based): chr15:66,703,428, G>A. VCF-style: chr15-66703428-G-A. GRCh37 (hg19) VCF-style: chr15-66995766-G-A.
Other names: short protein forms R57H.
Identifiers: ClinVar variation 4170072 (VCV004170072.1).
Genomic context (GRCh38, chr15:66,703,428, plus strand): 5'-GGAGCTTGGGCAGCCGAGCTGAGCCGGCCCCGCGGGCAAGAGAGGGCGGAGGCTGCGGCC[G>A]CTCCGAAGTCCGCCCGGTAGCCCCGCGGCGGCCCCGGGACGCAGTGGGACAGCGAGGCGC-3'
Protein context (NP_005576.3, residues 47-67): PRAREGGGCG[Arg57His]SEVRPVAPRR

ClinVar aggregate classification (germline): Uncertain significance (1 of 4 stars; one submission).

Conditions:
Inborn genetic diseases. Identifiers: MedGen C0950123, MeSH D030342.

Submission:

Ambry Genetics
Classification: Uncertain significance for Inborn genetic diseases. Last evaluated: 2025-07-29. Review status: criteria provided, single submitter. Criteria: Ambry Variant Classification Scheme 2023. Collection method: clinical testing. Allele origin: germline.
Comment: The p.R57H variant (also known as c.170G>A), located in coding exon 1 of the SMAD6 gene, results from a G to A substitution at nucleotide position 170. The arginine at codon 57 is replaced by histidine, an amino acid with highly similar properties. This amino acid position is conserved. In addition, this alteration is predicted to be tolerated by in silico analysis. Based on the available evidence, the clinical significance of this variant remains unclear.